The following is an entry in ClinVar:

ClinVar aggregate classification (germline): Pathogenic. Review status: reviewed by expert panel (3 of 4 stars). 11 submissions from 11 submitters: Pathogenic (1). 10 of the submissions do not count toward it. Last evaluated 2016-09-08.

Conditions:
Hereditary cancer-predisposing syndrome. Also called: Hereditary Cancer Syndrome; Hereditary neoplastic syndrome; Neoplastic Syndromes, Hereditary; Tumor predisposition. Identifiers: Orphanet 140162, MedGen C0027672, MeSH D009386, MONDO:0015356.
Hereditary breast ovarian cancer syndrome. Also called: BRCA1- and BRCA2-Associated Hereditary Breast and Ovarian Cancer; Hereditary breast and ovarian cancer syndrome; Hereditary breast and ovarian cancer syndrome (HBOC); Breast and ovarian cancer; Hereditary breast and/or ovarian cancer syndrome; Hereditary breast and ovarian cancer. Identifiers: Orphanet 145, MedGen C0677776, MeSH D061325, MONDO:0003582. Disease mechanism: loss of function.
Breast-ovarian cancer, familial, susceptibility to, 1 (BROVCA1). Also called: BRCA1 Hereditary Breast and Ovarian Cancer; OVARIAN CANCER, SUSCEPTIBILITY TO. Identifiers: Orphanet 145, MedGen C2676676, MONDO:0011450, OMIM 604370. Disease mechanism: loss of function.

Submissions (11):

Evidence-based Network for the Interpretation of Germline Mutant Alleles (ENIGMA)
Classification: Pathogenic for Breast-ovarian cancer, familial, susceptibility to, 1. Last evaluated: 2016-09-08. Review status: reviewed by expert panel. Criteria: ENIGMA BRCA1/2 Classification Criteria (2015). Collection method: curation. Allele origin: germline.
Comment: Variant allele predicted to encode a truncated non-functional protein.

Labcorp Genetics (formerly Invitae), Labcorp
Classification: Pathogenic for Hereditary breast ovarian cancer syndrome. Last evaluated: 2025-04-13. Review status: criteria provided, single submitter. Criteria: Invitae Variant Classification Sherloc (09022015). Collection method: clinical testing. Allele origin: germline. Not counted in ClinVar's aggregate classification.
Comment: This sequence change creates a premature translational stop signal (p.Pro1585Argfs*36) in the BRCA1 gene. It is expected to result in an absent or disrupted protein product. Loss-of-function variants in BRCA1 are known to be pathogenic (PMID: 20104584). This variant is not present in population databases (gnomAD no frequency). This premature translational stop signal has been observed in individual(s) with breast cancer (PMID: 8875986, 27697421). This variant is also known as 4873delCA. ClinVar contains an entry for this variant (Variation ID: 55280). For these reasons, this variant has been classified as Pathogenic.

Color Diagnostics, LLC DBA Color Health
Classification: Pathogenic for Hereditary cancer-predisposing syndrome. Last evaluated: 2024-11-05. Review status: criteria provided, single submitter. Criteria: ACMG Guidelines, 2015. Collection method: clinical testing. Allele origin: germline. Not counted in ClinVar's aggregate classification.
Comment: This variant deletes 2 nucleotides in exon 15 of the BRCA1 gene, creating a frameshift and premature translation stop signal. This variant is expected to result in an absent or non-functional protein product. To our knowledge, functional studies have not been reported for this variant. This variant has been observed in an individual affected with breast cancer (PMID: 27697421) and multiple suspected hereditary breast and ovarian cancer families (PMID: 8875986, 14672397, 15340362, 29446198, 29907814). This variant has not been identified in the general population by the Genome Aggregation Database (gnomAD). Loss of BRCA1 function is a known mechanism of disease. Based on the available evidence, this variant is classified as Pathogenic.

All of Us Research Program, National Institutes of Health
Classification: Pathogenic for Breast-ovarian cancer, familial, susceptibility to, 1. Last evaluated: 2023-11-07. Review status: criteria provided, single submitter. Criteria: ACMG Guidelines, 2015. Collection method: clinical testing. Allele origin: germline. Inheritance: Autosomal dominant inheritance. Observed: 2 variant alleles, 2 heterozygotes. Not counted in ClinVar's aggregate classification.
Comment: This variant deletes 2 nucleotides in exon 15 of the BRCA1 gene, creating a frameshift and premature translation stop signal. This variant is expected to result in an absent or non-functional protein product. To our knowledge, functional studies have not been reported for this variant. This variant has been observed in an individual affected with breast cancer (PMID: 27697421) and multiple suspected hereditary breast and ovarian cancer families (PMID: 8875986, 14672397, 15340362, 29446198, 29907814). This variant has not been identified in the general population by the Genome Aggregation Database (gnomAD). Loss of BRCA1 function is a known mechanism of disease. Based on the available evidence, this variant is classified as Pathogenic.

This study involves interpretation of variants in research participants for the purpose of population health screening. Participant phenotype was not available at the time of variant classification. Additional details can be found in publication PMID: 35346344, PMCID: PMC8962531

Ambry Genetics
Classification: Pathogenic for Hereditary cancer-predisposing syndrome. Last evaluated: 2022-08-31. Review status: criteria provided, single submitter. Criteria: Ambry Variant Classification Scheme 2023. Collection method: clinical testing. Allele origin: germline. Not counted in ClinVar's aggregate classification.
Comment: The c.4754_4755delCA pathogenic mutation, located in coding exon 14 of the BRCA1 gene, results from a deletion of two nucleotides at nucleotide positions 4754 to 4755, causing a translational frameshift with a predicted alternate stop codon (p.P1585Rfs*36). This mutation has been identified in 1/36 Italian breast and/or ovarian cancer families (Caligo MA et al. Oncogene, 1996 Oct;13:1483-8) and in 2/649 Brazilian probands who underwent testing for BRCA1 and BRCA2 mutations (Palmero EI et al. Sci Rep, 2018 Jun;8:9188). Of note, this alteration has also been reported as 4873delCA in published literature. In addition to the clinical data presented in the literature, this alteration is expected to result in loss of function by premature protein truncation or nonsense-mediated mRNA decay. As such, this alteration is interpreted as a disease-causing mutation.

GeneDx
Classification: Pathogenic. Last evaluated: 2021-11-29. Review status: criteria provided, single submitter. Criteria: GeneDx Variant Classification Process June 2021. Collection method: clinical testing. Allele origin: germline. Affected: yes. Not counted in ClinVar's aggregate classification.
Comment: Frameshift variant predicted to result in protein truncation or nonsense mediated decay in a gene for which loss-of-function is a known mechanism of disease; Not observed at significant frequency in large population cohorts (Lek et al., 2016); Truncating variants in this gene are considered pathogenic by a well-established clinical consortium and/or database; Also known as 4873_4874del; This variant is associated with the following publications: (PMID: 30613976, 31447099, 29907814, 8875986)

Quest Diagnostics Nichols Institute San Juan Capistrano
Classification: Pathogenic. Last evaluated: 2019-10-29. Review status: criteria provided, single submitter. Criteria: Quest Diagnostics criteria. Collection method: clinical testing. Allele origin: unknown. Not counted in ClinVar's aggregate classification.
Comment: The variant results in a shift of the reading frame, and is therefore predicted to result in the loss of a functional protein. Found in at least one patient with expected phenotype for this gene, and not found in general population data.

Laboratory for Molecular Medicine, Mass General Brigham Personalized Medicine
Classification: Pathogenic for Hereditary breast ovarian cancer syndrome. Last evaluated: 2017-07-20. Review status: criteria provided, single submitter. Criteria: LMM Criteria. Collection method: clinical testing. Allele origin: germline. Inheritance: Autosomal dominant inheritance. Observed: 1 variant allele. Not counted in ClinVar's aggregate classification.
Comment: The p.Pro1585fs variant in BRCA1 has been reported in at least 5 individuals wit h breast cancer (Ghili 2017, Caligo 1996, Breast Cancer Information Core (BIC) d atabase) and was absent from large population studies, though the ability of the se studies to accurately detect indels may be limited. This variant is predicted to cause a frameshift, which alters the protein?s amino acid sequence beginning at position 1585 and leads to a premature termination codon 36 amino acids down stream. This alteration is then predicted to lead to a truncated or absent prote in. Heterozygous loss of function of the BRCA1 gene is an established disease me chanism in hereditary breast and ovarian cancer (HBOC). In addition, this varian t was classified as pathogenic on Sept 8, 2016 by the ClinGen-approved ENIGMA ex pert panel (ClinVar SCV000300159.2). In summary, this variant meets criteria to be classified as pathogenic for HBOC in an autosomal dominant manner based upon the predicted impact to the protein and presence in multiple affected individual s.

Molecular Genetics Laboratory, University of Michigan
Classification: Pathogenic for Breast-ovarian cancer, familial, susceptibility to, 1. Last evaluated: 2016-04-21. Review status: criteria provided, single submitter. Criteria: ACMG Guidelines, 2015. Collection method: clinical testing. Allele origin: germline. Affected: yes. Not counted in ClinVar's aggregate classification.

Consortium of Investigators of Modifiers of BRCA1/2 (CIMBA), c/o University of Cambridge
Classification: Pathogenic for Breast-ovarian cancer, familial, susceptibility to, 1. Last evaluated: 2015-10-02. Review status: criteria provided, single submitter. Criteria: CIMBA Mutation Classification guidelines May 2016. Collection method: clinical testing. Allele origin: germline. Not counted in ClinVar's aggregate classification.

Breast Cancer Information Core (BIC) (BRCA1)
Classification: Pathogenic for Breast-ovarian cancer, familial 1. Last evaluated: 2002-05-29. Review status: no assertion criteria provided. Collection method: clinical testing. Allele origin: germline. Affected: yes. Observed: 4 variant alleles. Not counted in ClinVar's aggregate classification.

Literature cited by the submitters: PubMed 20104584 (cited by Labcorp Genetics (formerly Invitae), Labcorp); PubMed 8875986 (cited by 5 submitters); PubMed 27697421 (cited by 5 submitters); PubMed 14672397 (cited by Color Diagnostics, LLC DBA Color Health and All of Us Research Program, National Institutes of Health); PubMed 15340362 (cited by Color Diagnostics, LLC DBA Color Health and All of Us Research Program, National Institutes of Health); PubMed 29446198 (cited by 3 submitters); PubMed 29907814 (cited by 4 submitters).

NM_007294.4(BRCA1):c.4754_4755del (p.Pro1585fs)

Gene: BRCA1 (BRCA1 DNA repair associated; minus strand). Cytogenetic location: 17q21.31.
Variant type: Deletion.
Coding change: c.4754_4755del on transcript NM_007294.4 (MANE Select); coding-DNA positions 4754 to 4755, 2 bases deleted (CA; older notation c.4754_4755delCA).
Protein change: p.Pro1585fs; shifts the reading frame from proline 1585.
Molecular consequence: frameshift variant. On other transcripts: non-coding transcript variant (1).
Genome position (GRCh38, 1-based): chr17:43,071,159-43,071,160, TG deleted on the plus strand (CA on the coding strand, the reverse complement: BRCA1 is on the minus strand). VCF-style (leftmost placement, unchanged base first): chr17-43071158-CTG-C. GRCh37 (hg19) VCF-style: chr17-41223175-CTG-C.
Other names: 4873delCA; c.2150_2151delCA, p.Pro717Argfs (NM_001407968.1); c.2147_2148delCA, p.Pro716Argfs (NM_001407969.1); c.1511_1512delCA, p.Pro504Argfs (NM_001407970.1, NM_001407971.1); c.1508_1509delCA, p.Pro503Argfs (NM_001407972.1); c.1445_1446delCA, p.Pro482Argfs (NM_001407973.1, NM_001407974.1, NM_001407975.1 and 3 more transcripts); c.1442_1443delCA, p.Pro481Argfs (NM_001407979.1, NM_001407980.1, NM_001407981.1 and 12 more transcripts); c.1439_1440delCA, p.Pro480Argfs (NM_001408392.1, NM_001408396.1, NM_001408397.1 and 8 more transcripts); and 74 more; short protein forms P1585fs, P481fs, P1538fs, P1606fs.
Identifiers: ClinVar variation 55280 (VCV000055280.31), dbSNP rs80357837, ClinGen allele CA003007.
Genomic context (GRCh38, chr17:43,071,158, plus strand): 5'-TCAATTGGGGAACTTTCAATGCAGAGGTTGAAGATGGTATGTTGCCAACACGAGCTGACT[CTG>C]GGGCTCTGTCTTCAGAAGGATCAGATTCAGGGTCATCAGAGAAGAGGCTGATTCCAGATT-3'